The following is an entry in ClinVar:

ClinVar aggregate classification (germline): Uncertain significance. Review status: criteria provided, multiple submitters, no conflicts (2 of 4 stars). 2 submissions from 2 submitters: Uncertain significance (2). Last evaluated 2025-09-08.

Allele frequency attached by ClinVar (database versions not stated): gnomAD exomes below 0.00001.
gnomAD v4.1: 2 of 1,613,292 alleles (0.00012%); highest among the groups gnomAD compares: Non-Finnish European, 0.00017%; no homozygotes.

Submissions (2):

Labcorp Genetics (formerly Invitae), Labcorp
Classification: Uncertain significance. Last evaluated: 2025-09-08. Review status: criteria provided, single submitter. Criteria: Invitae Variant Classification Sherloc (09022015). Collection method: clinical testing. Allele origin: germline.
Comment: This sequence change replaces aspartic acid, which is acidic and polar, with glycine, which is neutral and non-polar, at codon 497 of the KMT2E protein (p.Asp497Gly). This variant is not present in population databases (gnomAD no frequency). This variant has not been reported in the literature in individuals affected with KMT2E-related conditions. ClinVar contains an entry for this variant (Variation ID: 2877709). An algorithm developed to predict the effect of missense changes on protein structure and function (PolyPhen-2) suggests that this variant is likely to be tolerated. In summary, the available evidence is currently insufficient to determine the role of this variant in disease. Therefore, it has been classified as a Variant of Uncertain Significance.

CeGaT Center for Human Genetics Tuebingen
Classification: Uncertain significance. Last evaluated: 2024-12-01. Review status: criteria provided, single submitter. Criteria: CeGaT Center For Human Genetics Tuebingen Variant Classification Criteria Version 2. Collection method: clinical testing. Allele origin: germline. Affected: yes. Observed: 1 variant allele.
Comment: KMT2E: PM2, BP4

NM_182931.3(KMT2E):c.1490A>G (p.Asp497Gly)

Gene: KMT2E (lysine methyltransferase 2E (inactive); plus strand). Cytogenetic location: 7q22.3.
Variant type: single nucleotide variant.
Coding change: c.1490A>G on transcript NM_182931.3 (MANE Select); coding-DNA position 1490, A replaced by G.
Protein change: p.Asp497Gly; replaces aspartic acid 497 with glycine.
Molecular consequence: missense variant.
Genome position (GRCh38, 1-based): chr7:105,090,140, A>G. VCF-style: chr7-105090140-A-G. GRCh37 (hg19) VCF-style: chr7-104730587-A-G.
Other names: c.1490A>G, p.Asp497Gly (NM_001410908.1, NM_018682.4); short protein forms D497G.
Identifiers: ClinVar variation 2877709 (VCV002877709.16), dbSNP rs2536462151, ClinGen allele CA368782337.
Genomic context (GRCh38, chr7:105,090,140, plus strand): 5'-CCATGGAAAATATCAATAGTGGTTATGAGACCAGACGGAAAAAAGGAAAAAAAGACAAAG[A>G]TATTTCAAAAGAAAAAGATACACAAAATCAGAATATTACTTTGGATTGTGAAGGAACGAC-3'
Protein context (NP_891847.1, residues 487-507): TRRKKGKKDK[Asp497Gly]ISKEKDTQNQ